The following is an entry in ClinVar:

NM_032119.4(ADGRV1):c.10746C>G (p.Ser3582=)

Gene: ADGRV1 (adhesion G protein-coupled receptor V1; plus strand). Cytogenetic location: 5q14.3.
Variant type: single nucleotide variant.
Coding change: c.10746C>G on transcript NM_032119.4 (MANE Select); coding-DNA position 10746, C replaced by G.
Protein change: p.Ser3582=; no amino-acid change (serine 3582 retained).
Molecular consequence: synonymous variant. On other transcripts: non-coding transcript variant (1).
Genome position (GRCh38, 1-based): chr5:90,745,242, C>G. VCF-style: chr5-90745242-C-G. GRCh37 (hg19) VCF-style: chr5-90041059-C-G.
Other names: c.10746C>G (NM_032119.3).
Identifiers: ClinVar variation 1644609 (VCV001644609.11), dbSNP rs375056990, ClinGen allele CA3340813.

ClinVar aggregate classification (germline): Likely benign. Review status: criteria provided, multiple submitters, no conflicts (2 of 4 stars). 4 submissions from 4 submitters: Likely benign (3). 1 of the submissions does not count toward it. Last evaluated 2025-09-02.

Conditions:
ADGRV1-related disorder. Also called: ADGRV1-related disorders; ADGRV1-related condition.

Allele frequency attached by ClinVar (database versions not stated): gnomAD 0.00001; TOPMed 0.00001; ExAC 0.00003; ESP Exome Variant Server 0.00008.
gnomAD v4.1: 7 of 1,599,116 alleles (0.00044%); highest among the groups gnomAD compares: African/African-American, 0.004%; no homozygotes.

Submissions (4):

Women's Health and Genetics/Laboratory Corporation of America, LabCorp
Classification: Likely benign. Last evaluated: 2025-09-02. Review status: criteria provided, single submitter. Criteria: LabCorp Variant Classification Summary - May 2015. Collection method: clinical testing. Allele origin: germline.

Labcorp Genetics (formerly Invitae), Labcorp
Classification: Likely benign. Last evaluated: 2023-10-06. Review status: criteria provided, single submitter. Criteria: Invitae Variant Classification Sherloc (09022015). Collection method: clinical testing. Allele origin: germline.

Blueprint Genetics
Classification: Likely benign. Last evaluated: 2022-08-13. Review status: criteria provided, single submitter. Criteria: ACMG Guidelines, 2015. Collection method: clinical testing. Allele origin: germline.

PreventionGenetics, part of Exact Sciences
Classification: Likely benign for ADGRV1-related condition. Last evaluated: 2024-09-10. Review status: no assertion criteria provided. Collection method: clinical testing. Allele origin: germline. Not counted in ClinVar's aggregate classification.
Comment: This variant is classified as likely benign based on ACMG/AMP sequence variant interpretation guidelines (Richards et al. 2015 PMID: 25741868, with internal and published modifications).